The following is an entry in ClinVar:

ClinVar aggregate classification (germline): Pathogenic (0 of 4 stars; one submission).

Conditions:
NPHP3-related disorder. Also called: NPHP3-related disorders; NPHP3-related condition. Identifiers: MedGen CN379163.

Submission:

PreventionGenetics, part of Exact Sciences
Classification: Pathogenic for NPHP3-related condition. Last evaluated: 2024-03-05. Review status: no assertion criteria provided. Collection method: clinical testing. Allele origin: germline.
Comment: The NPHP3 c.644C>A variant is predicted to result in premature protein termination (p.Ser215*). To our knowledge, this variant has not been reported in the literature or in a large population database, indicating this variant is rare. Nonsense variants in NPHP3 are expected to be pathogenic. This variant is interpreted as pathogenic.

NM_153240.5(NPHP3):c.644C>A (p.Ser215Ter)

Genes: NPHP3 (nephrocystin 3; minus strand), NPHP3-ACAD11 (NPHP3-ACAD11 readthrough (NMD candidate); minus strand). Cytogenetic location: 3q22.1.
Variant type: single nucleotide variant.
Coding change: c.644C>A on transcript NM_153240.5 (MANE Select); coding-DNA position 644, C replaced by A.
Protein change: p.Ser215Ter; replaces serine 215 with a stop codon.
Molecular consequence: nonsense. On other transcripts: non-coding transcript variant (1).
Genome position (GRCh38, 1-based): chr3:132,719,020, G>T on the plus strand (C>A on the coding strand, the complement: NPHP3 is on the minus strand). VCF-style: chr3-132719020-G-T. GRCh37 (hg19) VCF-style: chr3-132437864-G-T.
Other names: short protein forms S215*.
Identifiers: ClinVar variation 3348653 (VCV003348653.1).